The following is an entry in ClinVar:

ClinVar aggregate classification (germline): Uncertain significance (1 of 4 stars; one submission).

Conditions:
Lowe syndrome (OCRL). Also called: LOWE OCULOCEREBRORENAL SYNDROME; PHOSPHATIDYLINOSITOL 4,5-BISPHOSPHATE 5-PHOSPHATASE DEFICIENCY; Oculocerebrorenal Syndrome. Identifiers: Orphanet 534, MedGen C0028860, MONDO:0010645, OMIM 309000.

Submission:

Labcorp Genetics (formerly Invitae), Labcorp
Classification: Uncertain significance for Lowe syndrome. Last evaluated: 2025-05-18. Review status: criteria provided, single submitter. Criteria: Invitae Variant Classification Sherloc (09022015). Collection method: clinical testing. Allele origin: germline.
Comment: This sequence change replaces aspartic acid, which is acidic and polar, with asparagine, which is neutral and polar, at codon 100 of the OCRL protein (p.Asp100Asn). This variant is not present in population databases (gnomAD no frequency). This variant has not been reported in the literature in individuals affected with OCRL-related conditions. ClinVar contains an entry for this variant (Variation ID: 3622864). Invitae Evidence Modeling of protein sequence and biophysical properties (such as structural, functional, and spatial information, amino acid conservation, physicochemical variation, residue mobility, and thermodynamic stability) indicates that this missense variant is not expected to disrupt OCRL protein function with a negative predictive value of 95%. In summary, the available evidence is currently insufficient to determine the role of this variant in disease. Therefore, it has been classified as a Variant of Uncertain Significance.

NM_000276.4(OCRL):c.298G>A (p.Asp100Asn)

Gene: OCRL (OCRL inositol polyphosphate-5-phosphatase; plus strand). Cytogenetic location: Xq26.1.
Variant type: single nucleotide variant.
Coding change: c.298G>A on transcript NM_000276.4 (MANE Select); coding-DNA position 298, G replaced by A.
Protein change: p.Asp100Asn; replaces aspartic acid 100 with asparagine.
Molecular consequence: missense variant.
Genome position (GRCh38, 1-based): chrX:129,557,384, G>A. VCF-style: chrX-129557384-G-A. GRCh37 (hg19) VCF-style: chrX-128691361-G-A.
Other names: c.301G>A, p.Asp101Asn (NM_001318784.2); c.298G>A, p.Asp100Asn (NM_001587.4); short protein forms D100N, D101N.
Identifiers: ClinVar variation 3622864 (VCV003622864.2).